The following is an entry in ClinVar:

ClinVar aggregate classification (germline): Uncertain significance (1 of 4 stars; one submission).

Allele frequency attached by ClinVar (database versions not stated): gnomAD exomes 0.00001; gnomAD 0.00004; TOPMed 0.00004.
gnomAD v4.1: 21 of 1,612,700 alleles (0.0013%); highest among the groups gnomAD compares: African/African-American, 0.02%; no homozygotes.

Submission:

Labcorp Genetics (formerly Invitae), Labcorp
Classification: Uncertain significance. Last evaluated: 2025-07-31. Review status: criteria provided, single submitter. Criteria: Invitae Variant Classification Sherloc (09022015). Collection method: clinical testing. Allele origin: germline.
Comment: This sequence change falls in intron 39 of the HMCN1 gene. It does not directly change the encoded amino acid sequence of the HMCN1 protein. It affects a nucleotide within the consensus splice site. This variant is present in population databases (no rsID available, gnomAD 0.01%). This variant has not been reported in the literature in individuals affected with HMCN1-related conditions. ClinVar contains an entry for this variant (Variation ID: 1408316). Variants that disrupt the consensus splice site are a relatively common cause of aberrant splicing (PMID: 17576681, 9536098). Algorithms developed to predict the effect of sequence changes on RNA splicing suggest that this variant is not likely to affect RNA splicing. In summary, the available evidence is currently insufficient to determine the role of this variant in disease. Therefore, it has been classified as a Variant of Uncertain Significance.

Literature cited by the submitters: PubMed 17576681; PubMed 9536098.

NM_031935.3(HMCN1):c.6181-3T>C

Gene: HMCN1 (hemicentin 1; plus strand). Cytogenetic location: 1q31.1.
Variant type: single nucleotide variant.
Coding change: c.6181-3T>C on transcript NM_031935.3 (MANE Select); 3 bases into the intron before coding-DNA position 6181, T replaced by C.
Molecular consequence: intron variant.
Genome position (GRCh38, 1-based): chr1:186,041,010, T>C. VCF-style: chr1-186041010-T-C. GRCh37 (hg19) VCF-style: chr1-186010142-T-C.
Identifiers: ClinVar variation 1408316 (VCV001408316.7), dbSNP rs971328726, ClinGen allele CA33471814.